The following is an entry in ClinVar:

ClinVar aggregate classification (germline): Likely pathogenic (1 of 4 stars; one submission).

Conditions:
Peroxisome biogenesis disorder 2B (PBD2B). Identifiers: Orphanet 44, MedGen C3550234, MONDO:0008736, OMIM 202370.

Allele frequency attached by ClinVar (database versions not stated): gnomAD exomes below 0.00001; TOPMed 0.00002.
gnomAD v4.1: 3 of 1,613,890 alleles (0.00019%); highest among the groups gnomAD compares: Admixed American, 0.0033%; no homozygotes.

Submission:

Labcorp Genetics (formerly Invitae), Labcorp
Classification: Likely pathogenic for Peroxisome biogenesis disorder 2B. Last evaluated: 2025-08-20. Review status: criteria provided, single submitter. Criteria: Invitae Variant Classification Sherloc (09022015). Collection method: clinical testing. Allele origin: germline.
Comment: This sequence change affects a donor splice site in intron 8 of the PEX5 gene. It is expected to disrupt RNA splicing. Variants that disrupt the donor or acceptor splice site typically lead to a loss of protein function (PMID: 16199547), and loss-of-function variants in PEX5 are known to be pathogenic (PMID: 18712838, 21031596). This variant is present in population databases (no rsID available, gnomAD no frequency). This variant has not been reported in the literature in individuals affected with PEX5-related conditions. ClinVar contains an entry for this variant (Variation ID: 2416201). Algorithms developed to predict the effect of sequence changes on RNA splicing suggest that this variant may disrupt the consensus splice site. In summary, the currently available evidence indicates that the variant is pathogenic, but additional data are needed to prove that conclusively. Therefore, this variant has been classified as Likely Pathogenic.

Literature cited by the submitters: PubMed 16199547; PubMed 18712838; PubMed 21031596.

NM_001351132.2(PEX5):c.753+2T>C

Gene: PEX5 (peroxisomal biogenesis factor 5; plus strand). Cytogenetic location: 12p13.31.
Variant type: single nucleotide variant.
Coding change: c.753+2T>C on transcript NM_001351132.2 (MANE Select); the canonical splice donor site of the intron after coding-DNA position 753, T replaced by C.
Molecular consequence: splice donor variant. On other transcripts: intron variant (15).
Genome position (GRCh38, 1-based): chr12:7,202,353, T>C. VCF-style: chr12-7202353-T-C. GRCh37 (hg19) VCF-style: chr12-7354949-T-C.
Other names: c.643-259T>C (NM_001351124.3, NM_001351126.2, NM_001374646.1 and 10 more transcripts); c.753+2T>C (NM_001131026.2, NM_001351131.2, NM_001374647.2 and 6 more transcripts); c.688-259T>C (NM_001351135.3, NM_001351138.2); c.798+2T>C (NM_001131023.2).
Identifiers: ClinVar variation 2416201 (VCV002416201.5), dbSNP rs1468724704, ClinGen allele CA383723642.